The following is an entry in ClinVar:

ClinVar aggregate classification (germline): Uncertain significance (1 of 4 stars; one submission).

Allele frequency attached by ClinVar (database versions not stated): gnomAD exomes 0.00001.

Submission:

Laboratory for Molecular Medicine, Mass General Brigham Personalized Medicine
Classification: Uncertain significance. Last evaluated: 2017-07-11. Review status: criteria provided, single submitter. Criteria: LMM Criteria. Collection method: clinical testing. Allele origin: germline. Observed: 1 variant allele.
Comment: The p.Lys386Asn variant in ILDR1 has not been previously reported in individuals with hearing loss or in large population studies. Computational prediction tool s and conservation analyses do not provide strong support for or against an impa ct to the protein. In summary, the clinical significance of the p.Lys386Asn vari ant is uncertain.

NM_001199799.2(ILDR1):c.1158G>C (p.Lys386Asn)

Gene: ILDR1 (immunoglobulin like domain containing receptor 1; minus strand). Cytogenetic location: 3q13.33.
Variant type: single nucleotide variant.
Coding change: c.1158G>C on transcript NM_001199799.2 (MANE Select); coding-DNA position 1158, G replaced by C.
Protein change: p.Lys386Asn; replaces lysine 386 with asparagine.
Molecular consequence: missense variant.
Genome position (GRCh38, 1-based): chr3:121,993,591, C>G on the plus strand (G>C on the coding strand, the complement: ILDR1 is on the minus strand). VCF-style: chr3-121993591-C-G. GRCh37 (hg19) VCF-style: chr3-121712438-C-G.
Other names: c.891G>C, p.Lys297Asn (NM_001199800.2); c.1026G>C, p.Lys342Asn (NM_175924.4); short protein forms K386N, K342N, K297N.
Identifiers: ClinVar variation 517456 (VCV000517456.4), dbSNP rs1553743331, ClinGen allele CA354143557.